The following is an entry in ClinVar:

ClinVar aggregate classification (germline): Conflicting classifications of pathogenicity. Review status: criteria provided, conflicting classifications (1 of 4 stars). 3 submissions from 3 submitters: Uncertain significance (1); Likely benign (2). Last evaluated 2025-11-05.

Conditions:
Neuronal ceroid lipofuscinosis. Also called: Neuronal Ceroid Lipofuscinoses. Identifiers: Orphanet 216, Orphanet 79263, MedGen C0027877, MONDO:0016295. Disease mechanism: loss of function.
Inborn genetic diseases. Identifiers: MedGen C0950123, MeSH D030342.

Allele frequency attached by ClinVar (database versions not stated): gnomAD 0.00001; TOPMed 0.00001.
gnomAD v4.1: 3 of 1,614,066 alleles (0.00019%); highest among the groups gnomAD compares: Admixed American, 0.005%; no homozygotes.

Submissions (3):

Labcorp Genetics (formerly Invitae), Labcorp
Classification: Likely benign for Neuronal ceroid lipofuscinosis. Last evaluated: 2025-11-05. Review status: criteria provided, single submitter. Criteria: Invitae Variant Classification Sherloc (09022015). Collection method: clinical testing. Allele origin: germline.

GeneDx
Classification: Uncertain significance. Last evaluated: 2022-06-09. Review status: criteria provided, single submitter. Criteria: GeneDx Variant Classification Process June 2021. Collection method: clinical testing. Allele origin: germline. Affected: yes.
Comment: Not observed at significant frequency in large population cohorts (gnomAD); In silico analysis supports that this variant does not alter splicing; Has not been previously published as pathogenic or benign to our knowledge

Ambry Genetics
Classification: Likely benign for Inborn genetic diseases. Last evaluated: 2018-04-03. Review status: criteria provided, single submitter. Criteria: Ambry Variant Classification Scheme 2023. Collection method: clinical testing. Allele origin: germline.

NM_017882.3(CLN6):c.763C>T (p.Leu255=)

Gene: CLN6 (CLN6 transmembrane ER protein; minus strand). Cytogenetic location: 15q23.
Variant type: single nucleotide variant.
Coding change: c.763C>T on transcript NM_017882.3 (MANE Select); coding-DNA position 763, C replaced by T.
Protein change: p.Leu255=; no amino-acid change (leucine 255 retained).
Molecular consequence: synonymous variant.
Genome position (GRCh38, 1-based): chr15:68,208,313, G>A on the plus strand (C>T on the coding strand, the complement: CLN6 is on the minus strand). VCF-style: chr15-68208313-G-A. GRCh37 (hg19) VCF-style: chr15-68500651-G-A.
Identifiers: ClinVar variation 721748 (VCV000721748.12), dbSNP rs1195840845, ClinGen allele CA491099995.